The following is an entry in ClinVar:

ClinVar aggregate classification (germline): Pathogenic. Review status: criteria provided, multiple submitters, no conflicts (2 of 4 stars). 3 submissions from 3 submitters: Pathogenic (3). Last evaluated 2026-01-14.

Conditions:
Hereditary cancer-predisposing syndrome. Also called: Tumor predisposition; Neoplastic Syndromes, Hereditary; Hereditary Cancer Syndrome; Hereditary neoplastic syndrome. Identifiers: Orphanet 140162, MedGen C0027672, MeSH D009386, MONDO:0015356.
Familial adenomatous polyposis 3. Also called: NTHL1-Related Adenomatous Polyposis and Colorectal Cancer; NTHL1-associated polyposis; NTHL1-related attenuated familial adenomatous polyposis; NTHL1 Tumor Syndrome. Identifiers: Orphanet 220460, Orphanet 454840, MedGen C4225157, MONDO:0014630, OMIM 616415.

Allele frequency attached by ClinVar (database versions not stated): gnomAD exomes below 0.00001.
gnomAD v4.1: 4 of 1,611,430 alleles (0.00025%); highest among the groups gnomAD compares: East Asian, 0.0022%; no homozygotes.

Submissions (3):

Labcorp Genetics (formerly Invitae), Labcorp
Classification: Pathogenic. Last evaluated: 2026-01-14. Review status: criteria provided, single submitter. Criteria: Invitae Variant Classification Sherloc (09022015). Collection method: clinical testing. Allele origin: germline.
Comment: This sequence change creates a premature translational stop signal (p.Gln62*) in the NTHL1 gene. It is expected to result in an absent or disrupted protein product. Loss-of-function variants in NTHL1 are known to be pathogenic (PMID: 25938944, 26559593). This variant is not present in population databases (gnomAD no frequency). This variant has not been reported in the literature in individuals affected with NTHL1-related conditions. ClinVar contains an entry for this variant (Variation ID: 662775). Algorithms developed to predict the effect of sequence changes on RNA splicing suggest that this variant may disrupt the consensus splice site. For these reasons, this variant has been classified as Pathogenic.

Ambry Genetics
Classification: Pathogenic for Hereditary cancer-predisposing syndrome. Last evaluated: 2023-11-16. Review status: criteria provided, single submitter. Criteria: Ambry Variant Classification Scheme 2023. Collection method: clinical testing. Allele origin: germline.
Comment: The p.Q62* pathogenic mutation (also known as c.184C>T), located in coding exon 2 of the NTHL1 gene, results from a C to T substitution at nucleotide position 184. This changes the amino acid from a glutamine to a stop codon within coding exon 2. This alteration is expected to result in loss of function by premature protein truncation or nonsense-mediated mRNA decay. As such, this alteration is interpreted as a disease-causing mutation.

Myriad Genetics, Inc.
Classification: Pathogenic for Familial adenomatous polyposis 3. Last evaluated: 2023-08-31. Review status: criteria provided, single submitter. Criteria: Myriad Autosomal Dominant, Autosomal Recessive and X-Linked Classification Criteria (2023). Collection method: clinical testing. Allele origin: unknown.
Comment: This variant is considered pathogenic. This variant creates a termination codon and is predicted to result in premature protein truncation.

Literature cited by the submitters: PubMed 25938944 (cited by Labcorp Genetics (formerly Invitae), Labcorp); PubMed 26559593 (cited by Labcorp Genetics (formerly Invitae), Labcorp).

NM_002528.7(NTHL1):c.160C>T (p.Gln54Ter)

Gene: NTHL1 (nth like DNA glycosylase 1; minus strand). Cytogenetic location: 16p13.3.
Variant type: single nucleotide variant.
Coding change: c.160C>T on transcript NM_002528.7 (MANE Select); coding-DNA position 160, C replaced by T.
Protein change: p.Gln54Ter; replaces glutamine 54 with a stop codon.
Molecular consequence: nonsense. On other transcripts: 5 prime UTR variant (1).
Genome position (GRCh38, 1-based): chr16:2,046,322, G>A on the plus strand (C>T on the coding strand, the complement: NTHL1 is on the minus strand). VCF-style: chr16-2046322-G-A. GRCh37 (hg19) VCF-style: chr16-2096323-G-A.
Other names: c.160C>T, p.Gln54Ter (LRG_1366t1, NM_001318193.2); c.-19C>T (NM_001318194.2); c.184C>T (NM_002528.5); short protein forms Q54*.
Identifiers: ClinVar variation 662775 (VCV000662775.8), dbSNP rs1596223384, ClinGen allele CA394297934.